The following is an entry in ClinVar:

ClinVar aggregate classification (germline): Uncertain significance (1 of 4 stars; one submission).

Allele frequency attached by ClinVar (database versions not stated): gnomAD 0.00001; gnomAD exomes 0.00002; TOPMed 0.00002; ExAC 0.00008; 1000 Genomes Project 30x 0.00016; 1000 Genomes Project 0.00020.
gnomAD v4.1: 27 of 1,601,128 alleles (0.0017%); highest among the groups gnomAD compares: East Asian, 0.029%; no homozygotes.

Submission:

Labcorp Genetics (formerly Invitae), Labcorp
Classification: Uncertain significance. Last evaluated: 2025-09-17. Review status: criteria provided, single submitter. Criteria: Invitae Variant Classification Sherloc (09022015). Collection method: clinical testing. Allele origin: germline.
Comment: This sequence change replaces glutamic acid, which is acidic and polar, with lysine, which is basic and polar, at codon 2824 of the DCHS1 protein (p.Glu2824Lys). This variant is present in population databases (rs568029252, gnomAD 0.05%). This variant has not been reported in the literature in individuals affected with DCHS1-related conditions. ClinVar contains an entry for this variant (Variation ID: 1957577). Invitae Evidence Modeling of protein sequence and biophysical properties (such as structural, functional, and spatial information, amino acid conservation, physicochemical variation, residue mobility, and thermodynamic stability) indicates that this missense variant is not expected to disrupt DCHS1 protein function with a negative predictive value of 80%. In summary, the available evidence is currently insufficient to determine the role of this variant in disease. Therefore, it has been classified as a Variant of Uncertain Significance.

NM_003737.4(DCHS1):c.8470G>A (p.Glu2824Lys)

Gene: DCHS1 (dachsous cadherin-related 1; minus strand). Cytogenetic location: 11p15.4.
Variant type: single nucleotide variant.
Coding change: c.8470G>A on transcript NM_003737.4 (MANE Select); coding-DNA position 8470, G replaced by A.
Protein change: p.Glu2824Lys; replaces glutamic acid 2824 with lysine.
Molecular consequence: missense variant.
Genome position (GRCh38, 1-based): chr11:6,623,206, C>T on the plus strand (G>A on the coding strand, the complement: DCHS1 is on the minus strand). VCF-style: chr11-6623206-C-T. GRCh37 (hg19) VCF-style: chr11-6644437-C-T.
Other names: short protein forms E2824K.
Identifiers: ClinVar variation 1957577 (VCV001957577.5), dbSNP rs568029252, ClinGen allele CA5859414.
Genomic context (GRCh38, chr11:6,623,206, plus strand): 5'-CACCCCCATCCTCATCTGTGGCCTGCACGTGACCCAAGCTGTGGCCACGCCGGGCACCTT[C>T]GGGCACTTGGAAGTGGAAAGCTGGTGCCAGAAATACAGGGTCATACTCATCCTCTCCAGT-3'
Protein context (NP_003728.1, residues 2814-2834): LAPAFHFQVP[Glu2824Lys]GARRGHSLGH